The following is an entry in ClinVar:

NM_007294.4(BRCA1):c.5153-31A>G

Gene: BRCA1 (BRCA1 DNA repair associated; minus strand). Cytogenetic location: 17q21.31.
Variant type: single nucleotide variant.
Coding change: c.5153-31A>G on transcript NM_007294.4 (MANE Select); 31 bases into the intron before coding-DNA position 5153, A replaced by G.
Molecular consequence: intron variant.
Genome position (GRCh38, 1-based): chr17:43,063,404, T>C on the plus strand (A>G on the coding strand, the complement: BRCA1 is on the minus strand). VCF-style: chr17-43063404-T-C. GRCh37 (hg19) VCF-style: chr17-41215421-T-C.
Other names: c.1700-31A>G (NM_001408458.1, NM_001408461.1, NM_001408464.1 and 7 more transcripts); c.4262-31A>G (NM_001407967.1); c.4772-31A>G (NM_001407959.1); c.4886-31A>G (NM_001407931.1, NM_001407932.1, NM_001407928.1 and 4 more transcripts); c.5009-31A>G (NM_001407747.1, NM_001407745.1, NM_001407737.1 and 21 more transcripts); c.4769-31A>G (NM_001407962.1, NM_001407960.1); c.1340-31A>G (NM_001408512.1); c.1463-31A>G (NM_001408510.1); and 72 more.
Identifiers: ClinVar variation 433725 (VCV000433725.4), dbSNP rs370536578, ClinGen allele CA054025.

ClinVar aggregate classification (germline): Likely benign. Review status: criteria provided, single submitter (1 of 4 stars). 2 submissions from 2 submitters: Likely benign (1). 1 of the submissions does not count toward it. Last evaluated 2026-06-15.

Conditions:
Inherited ovarian cancer (without breast cancer).

Allele frequency attached by ClinVar (database versions not stated): gnomAD exomes 0.00001; ExAC 0.00002; gnomAD 0.00003; TOPMed 0.00005; ESP Exome Variant Server 0.00008.
gnomAD v4.1: 46 of 1,583,340 alleles (0.0029%); highest among the groups gnomAD compares: Non-Finnish European, 0.0036%; no homozygotes.

Submissions (2):

Genomics and Molecular Medicine Service, East Genomic Laboratory Hub, NHS Genomic Medicine Service
Classification: Likely benign for Inherited ovarian cancer (without breast cancer). Last evaluated: 2026-06-15. Review status: criteria provided, single submitter. Criteria: ACGS Best Practice Guidelines for Variant Classification in Rare Disease 2020. Collection method: clinical testing. Allele origin: germline. Affected: yes.
Comment: BP4,BP7

Department of Pathology and Laboratory Medicine, Sinai Health System
Classification: Likely benign. Review status: no assertion criteria provided. Collection method: clinical testing. Allele origin: unknown. Affected: yes. Observed: 2 variant alleles. Study: The Canadian Open Genetics Repository (COGR). Not counted in ClinVar's aggregate classification.